The following is an entry in ClinVar:

NM_004999.4(MYO6):c.*3296G>T

Gene: MYO6 (myosin VI; plus strand). Cytogenetic location: 6q14.1.
Variant type: single nucleotide variant.
Coding change: c.*3296G>T on transcript NM_004999.4 (MANE Select); 3296 bases downstream of the stop codon, G replaced by T.
Molecular consequence: 3 prime UTR variant. On other transcripts: non-coding transcript variant (1).
Genome position (GRCh38, 1-based): chr6:75,918,308, G>T. VCF-style: chr6-75918308-G-T. GRCh37 (hg19) VCF-style: chr6-76628025-G-T.
Other names: c.*3296G>T (NM_001300899.2, NM_001368136.1, NM_001368137.1 and 3 more transcripts).
Identifiers: ClinVar variation 358041 (VCV000358041.8), dbSNP rs7741414, ClinGen allele CA10622722.
Genomic context (GRCh38, chr6:75,918,308, plus strand): 5'-AACAAGGATGGAAGGGGAGGGCAAAGGATATCTAAACATGAGAATAAGGACATGTTAGAG[G>T]GGGGGAAACAGTTGTAACAATAAGGAAAGAGAAGAGCAACAGTGGAAGAGACAGGTTGTG-3'

ClinVar aggregate classification (germline): Benign. Review status: criteria provided, multiple submitters, no conflicts (2 of 4 stars). 3 submissions from 2 submitters: Benign (3). Last evaluated 2021-05-13.

Conditions:
Autosomal recessive nonsyndromic hearing loss 37. Identifiers: Orphanet 90636, MedGen C1843028, MONDO:0011912, OMIM 607821.
Autosomal dominant nonsyndromic hearing loss 22. Also called: Autosomal dominant nonsyndromic deafness 22; DFNA 22. Identifiers: Orphanet 228012, MedGen C2931767, MONDO:0011660, OMIM 606346.

Allele frequency attached by ClinVar (database versions not stated): TOPMed 0.11564; 1000 Genomes Project 0.14756; 1000 Genomes Project 30x 0.15725; gnomAD exomes 0.21429.
gnomAD v4.1: 16,424 of 146,258 alleles (11%); highest among the groups gnomAD compares: African/African-American, 27%; 1,781 homozygotes.

Submissions (3):

GeneDx
Classification: Benign. Last evaluated: 2021-05-13. Review status: criteria provided, single submitter. Criteria: GeneDx Variant Classification Process June 2021. Collection method: clinical testing. Allele origin: germline. Affected: yes.

Illumina Laboratory Services, Illumina
Classification: Benign for Autosomal recessive nonsyndromic hearing loss 37. Last evaluated: 2018-01-12. Review status: criteria provided, single submitter. Criteria: ICSL Variant Classification Criteria 13 December 2019. Collection method: clinical testing. Allele origin: germline.
Comment: This variant was observed in the ICSL laboratory as part of a predisposition screen in an ostensibly healthy population. It had not been previously curated by ICSL or reported in the Human Gene Mutation Database (HGMD: prior to June 1st, 2018), and was therefore a candidate for classification through an automated scoring system. Utilizing variant allele frequency, disease prevalence and penetrance estimates, and inheritance mode, an automated score was calculated to assess if this variant is too frequent to cause the disease. Based on the score and internal cut-off values, a variant classified as benign is not then subjected to further curation. The score for this variant resulted in a classification of benign for this disease.

Illumina Laboratory Services, Illumina
Classification: Benign for Autosomal dominant nonsyndromic hearing loss 22. Last evaluated: 2018-01-12. Review status: criteria provided, single submitter. Criteria: ICSL Variant Classification Criteria 13 December 2019. Collection method: clinical testing. Allele origin: germline.
Comment: the same text as in the submission from Illumina Laboratory Services, Illumina above.